The following is an entry in ClinVar:

ClinVar aggregate classification (germline): Uncertain significance. Review status: criteria provided, multiple submitters, no conflicts (2 of 4 stars). 3 submissions from 3 submitters: Uncertain significance (3). Last evaluated 2025-08-20.

Conditions:
Inborn genetic diseases. Identifiers: MedGen C0950123, MeSH D030342.
Nephronophthisis 15 (NPHP15). Identifiers: Orphanet 3156, MedGen C3541853, MONDO:0013917, OMIM 614845.

Allele frequency attached by ClinVar (database versions not stated): gnomAD 0.00002; TOPMed 0.00003.
gnomAD v4.1: 4 of 1,614,102 alleles (0.00025%); highest among the groups gnomAD compares: Admixed American, 0.0033%; no homozygotes.

Submissions (3):

Ambry Genetics
Classification: Uncertain significance for Inborn genetic diseases. Last evaluated: 2025-08-20. Review status: criteria provided, single submitter. Criteria: Ambry Variant Classification Scheme 2023. Collection method: clinical testing. Allele origin: germline.

Labcorp Genetics (formerly Invitae), Labcorp
Classification: Uncertain significance for Nephronophthisis 15. Last evaluated: 2022-02-22. Review status: criteria provided, single submitter. Criteria: Invitae Variant Classification Sherloc (09022015). Collection method: clinical testing. Allele origin: germline.
Comment: This sequence change replaces proline, which is neutral and non-polar, with arginine, which is basic and polar, at codon 334 of the CEP164 protein (p.Pro334Arg). This variant is not present in population databases (gnomAD no frequency). This variant has not been reported in the literature in individuals affected with CEP164-related conditions. ClinVar contains an entry for this variant (Variation ID: 941564). Algorithms developed to predict the effect of missense changes on protein structure and function are either unavailable or do not agree on the potential impact of this missense change (SIFT: "Deleterious"; PolyPhen-2: "Benign"; Align-GVGD: "Class C15"). In summary, the available evidence is currently insufficient to determine the role of this variant in disease. Therefore, it has been classified as a Variant of Uncertain Significance.

Fulgent Genetics
Classification: Uncertain significance for Nephronophthisis 15. Last evaluated: 2022-02-01. Review status: criteria provided, single submitter. Criteria: ACMG Guidelines, 2015. Collection method: clinical testing. Allele origin: unknown.

NM_014956.5(CEP164):c.1001C>G (p.Pro334Arg)

Gene: CEP164 (centrosomal protein 164; plus strand). Cytogenetic location: 11q23.3.
Variant type: single nucleotide variant.
Coding change: c.1001C>G on transcript NM_014956.5 (MANE Select); coding-DNA position 1001, C replaced by G.
Protein change: p.Pro334Arg; replaces proline 334 with arginine.
Molecular consequence: missense variant.
Genome position (GRCh38, 1-based): chr11:117,371,315, C>G. VCF-style: chr11-117371315-C-G. GRCh37 (hg19) VCF-style: chr11-117242031-C-G.
Other names: c.1001C>G, p.Pro334Arg (NM_001271933.2); short protein forms P334R.
Identifiers: ClinVar variation 941564 (VCV000941564.9), dbSNP rs2042173742, ClinGen allele CA382737643.